The following is an entry in ClinVar:

NM_080732.4(EGLN2):c.800G>T (p.Cys267Phe)

Genes: EGLN2 (egl-9 family hypoxia inducible factor 2; plus strand), RAB4B-EGLN2 (RAB4B-EGLN2 readthrough (NMD candidate); plus strand). Cytogenetic location: 19q13.2.
Variant type: single nucleotide variant.
Coding change: c.800G>T on transcript NM_080732.4 (MANE Select); coding-DNA position 800, G replaced by T.
Protein change: p.Cys267Phe; replaces cysteine 267 with phenylalanine.
Molecular consequence: missense variant. On other transcripts: non-coding transcript variant (1).
Genome position (GRCh38, 1-based): chr19:40,801,372, G>T. VCF-style: chr19-40801372-G-T. GRCh37 (hg19) VCF-style: chr19-41307277-G-T.
Other names: c.800G>T, p.Cys267Phe (NM_053046.4); short protein forms C267F.
Identifiers: ClinVar variation 3229019 (VCV003229019.1), dbSNP rs750764341, ClinGen allele CA9452308.

ClinVar aggregate classification (germline): Uncertain significance (1 of 4 stars; one submission).

Allele frequency attached by ClinVar (database versions not stated): gnomAD exomes below 0.00001; ExAC 0.00002.
gnomAD v4.1: 3 of 1,609,912 alleles (0.00019%); highest among the groups gnomAD compares: South Asian, 0.0033%; no homozygotes.

Submission:

Ambry Genetics
Classification: Uncertain significance. Last evaluated: 2023-09-20. Review status: criteria provided, single submitter. Criteria: Ambry Variant Classification Scheme 2023. Collection method: clinical testing. Allele origin: germline.
Comment: The p.C267F variant (also known as c.800G>T), located in coding exon 1 of the EGLN2 gene, results from a G to T substitution at nucleotide position 800. The cysteine at codon 267 is replaced by phenylalanine, an amino acid with highly dissimilar properties. This amino acid position is conserved. In addition, the in silico prediction for this alteration is inconclusive. Since supporting evidence is limited at this time, the clinical significance of this alteration remains unclear.